The following is an entry in ClinVar:

ClinVar aggregate classification (germline): Uncertain significance (1 of 4 stars; one submission).

gnomAD v4.1: 1 of 1,613,274 alleles (0.000062%); highest among the groups gnomAD compares: Non-Finnish European, 0.000085%; no homozygotes.

Submission:

GeneDx
Classification: Uncertain significance. Last evaluated: 2024-12-17. Review status: criteria provided, single submitter. Criteria: GeneDx Variant Classification Process June 2021. Collection method: clinical testing. Allele origin: germline. Affected: yes.
Comment: Not observed at significant frequency in large population cohorts (gnomAD); Missense variant in a gene in which most reported pathogenic variants are truncating/loss of function; Has not been previously published as pathogenic or benign to our knowledge

NM_001267550.2(TTN):c.71417G>T (p.Arg23806Ile)

Genes: TTN (titin; minus strand), TTN-AS1 (TTN antisense RNA 1; plus strand). Cytogenetic location: 2q31.2.
Variant type: single nucleotide variant.
Coding change: c.71417G>T on transcript NM_001267550.2 (MANE Select); coding-DNA position 71417, G replaced by T.
Protein change: p.Arg23806Ile; replaces arginine 23806 with isoleucine.
Molecular consequence: missense variant.
Genome position (GRCh38, 1-based): chr2:178,574,715, C>A on the plus strand (G>T on the coding strand, the complement: TTN is on the minus strand). VCF-style: chr2-178574715-C-A. GRCh37 (hg19) VCF-style: chr2-179439442-C-A.
Other names: c.66494G>T, p.Arg22165Ile (NM_001256850.1); c.44222G>T, p.Arg14741Ile (NM_003319.4); c.63713G>T, p.Arg21238Ile (NM_133378.4); c.44597G>T, p.Arg14866Ile (NM_133432.3); c.44798G>T, p.Arg14933Ile (NM_133437.4); short protein forms R14741I, R14866I, R14933I, R21238I, R22165I, R23806I.
Identifiers: ClinVar variation 3906689 (VCV003906689.1).